The following is an entry in ClinVar:

ClinVar aggregate classification (germline): Uncertain significance (1 of 4 stars; one submission).

Conditions:
Saldino-Mainzer syndrome (SRTD9). Also called: CONORENAL SYNDROME; Renal dysplasia, retinal pigmentary dystrophy, cerebellar ataxia and skeletal dysplasia; SHORT-RIB THORACIC DYSPLASIA 9 WITHOUT POLYDACTYLY; short-rib thoracic dysplasia 9 with or without polydactyly. Identifiers: Orphanet 140969, MedGen C1849437, MONDO:0009964, OMIM 266920.

Submission:

Labcorp Genetics (formerly Invitae), Labcorp
Classification: Uncertain significance for Saldino-Mainzer syndrome. Last evaluated: 2022-06-09. Review status: criteria provided, single submitter. Criteria: Invitae Variant Classification Sherloc (09022015). Collection method: clinical testing. Allele origin: germline.
Comment: In summary, the available evidence is currently insufficient to determine the role of this variant in disease. Therefore, it has been classified as a Variant of Uncertain Significance. Algorithms developed to predict the effect of missense changes on protein structure and function are either unavailable or do not agree on the potential impact of this missense change (SIFT: "Deleterious"; PolyPhen-2: "Possibly Damaging"; Align-GVGD: "Class C0"). This variant has not been reported in the literature in individuals affected with IFT140-related conditions. This variant is not present in population databases (gnomAD no frequency). This sequence change replaces methionine, which is neutral and non-polar, with threonine, which is neutral and polar, at codon 1174 of the IFT140 protein (p.Met1174Thr).

NM_014714.4(IFT140):c.3521T>C (p.Met1174Thr)

Gene: IFT140 (intraflagellar transport 140; minus strand). Cytogenetic location: 16p13.3.
Variant type: single nucleotide variant.
Coding change: c.3521T>C on transcript NM_014714.4 (MANE Select); coding-DNA position 3521, T replaced by C.
Protein change: p.Met1174Thr; replaces methionine 1174 with threonine.
Molecular consequence: missense variant.
Genome position (GRCh38, 1-based): chr16:1,520,741, A>G on the plus strand (T>C on the coding strand, the complement: IFT140 is on the minus strand). VCF-style: chr16-1520741-A-G. GRCh37 (hg19) VCF-style: chr16-1570742-A-G.
Other names: short protein forms M1174T.
Identifiers: ClinVar variation 2003870 (VCV002003870.4), dbSNP rs558117270, ClinGen allele CA394224972.
Genomic context (GRCh38, chr16:1,520,741, plus strand): 5'-TGCTCCAGCAGCTCCCGCCGCGACTCCTCAGGCAGGTCCGAGGAGTCCTTGGCCACGGTC[A>G]TCTTTTCCGCCATCTCCTCGGTGATGCTCATGTTCTGCCCCAGGCACAGCTGCAGGGCTT-3'
Protein context (NP_055529.2, residues 1164-1184): MSITEEMAEK[Met1174Thr]TVAKDSSDLP